The following is an entry in ClinVar:

NM_001148.6(ANK2):c.4063G>C (p.Asp1355His)

Gene: ANK2 (ankyrin 2; plus strand). Cytogenetic location: 4q26.
Variant type: single nucleotide variant.
Coding change: c.4063G>C on transcript NM_001148.6 (MANE Select); coding-DNA position 4063, G replaced by C.
Protein change: p.Asp1355His; replaces aspartic acid 1355 with histidine.
Molecular consequence: missense variant.
Genome position (GRCh38, 1-based): chr4:113,341,857, G>C. VCF-style: chr4-113341857-G-C. GRCh37 (hg19) VCF-style: chr4-114263013-G-C.
Other names: c.4036G>C, p.Asp1346His (NM_001127493.3); c.4075G>C, p.Asp1359His (NM_001354225.2); c.3964G>C, p.Asp1322His (NM_001354228.2, NM_001354258.2); c.4042G>C, p.Asp1348His (NM_001354230.2); c.4105G>C, p.Asp1369His (NM_001354231.2, NM_001354242.2); c.4099G>C, p.Asp1367His (NM_001354232.2); c.4060G>C, p.Asp1354His (NM_001354235.2, NM_001354246.2, NM_001354265.2); c.3961G>C, p.Asp1321His (NM_001354236.2); and 31 more; short protein forms D1260H, D1303H, D1310H, D1312H, D1322H, D1354H, D1355H, D1402H.
Identifiers: ClinVar variation 3540529 (VCV003540529.1).

ClinVar aggregate classification (germline): Uncertain significance (1 of 4 stars; one submission).

Conditions:
Cardiovascular phenotype. Identifiers: MedGen CN230736.

Submission:

Ambry Genetics
Classification: Uncertain significance for Cardiovascular phenotype. Last evaluated: 2024-11-05. Review status: criteria provided, single submitter. Criteria: Ambry Variant Classification Scheme 2023. Collection method: clinical testing. Allele origin: germline.
Comment: The p.D1355H variant (also known as c.4063G>C), located in coding exon 33 of the ANK2 gene, results from a G to C substitution at nucleotide position 4063. The aspartic acid at codon 1355 is replaced by histidine, an amino acid with similar properties. This amino acid position is conserved. In addition, this alteration is predicted to be deleterious by in silico analysis. Based on the available evidence, the clinical significance of this variant remains unclear.